The following is an entry in ClinVar:

ClinVar aggregate classification (germline): Uncertain significance (1 of 4 stars; one submission).

Allele frequency attached by ClinVar (database versions not stated): TOPMed below 0.00001; gnomAD 0.00001.
gnomAD v4.1: 3 of 1,614,038 alleles (0.00019%); highest among the groups gnomAD compares: African/African-American, 0.004%; no homozygotes.

Submission:

Labcorp Genetics (formerly Invitae), Labcorp
Classification: Uncertain significance. Last evaluated: 2022-02-03. Review status: criteria provided, single submitter. Criteria: Invitae Variant Classification Sherloc (09022015). Collection method: clinical testing. Allele origin: germline.
Comment: In summary, the available evidence is currently insufficient to determine the role of this variant in disease. Therefore, it has been classified as a Variant of Uncertain Significance. Algorithms developed to predict the effect of missense changes on protein structure and function (SIFT, PolyPhen-2, Align-GVGD) all suggest that this variant is likely to be tolerated. This variant has not been reported in the literature in individuals affected with IARS2-related conditions. This variant is present in population databases (rs749306919, gnomAD 0.01%). This sequence change replaces glutamic acid, which is acidic and polar, with glycine, which is neutral and non-polar, at codon 972 of the IARS2 protein (p.Glu972Gly).

NM_018060.4(IARS2):c.2915A>G (p.Glu972Gly)

Gene: IARS2 (isoleucyl-tRNA synthetase 2, mitochondrial; plus strand). Cytogenetic location: 1q41.
Variant type: single nucleotide variant.
Coding change: c.2915A>G on transcript NM_018060.4 (MANE Select); coding-DNA position 2915, A replaced by G.
Protein change: p.Glu972Gly; replaces glutamic acid 972 with glycine.
Molecular consequence: missense variant.
Genome position (GRCh38, 1-based): chr1:220,147,511, A>G. VCF-style: chr1-220147511-A-G. GRCh37 (hg19) VCF-style: chr1-220320853-A-G.
Other names: short protein forms E972G.
Identifiers: ClinVar variation 1393395 (VCV001393395.8), dbSNP rs749306919, ClinGen allele CA1401893.